The following is an entry in ClinVar:

NM_199420.4(POLQ):c.2878A>T (p.Asn960Tyr)

Gene: POLQ (DNA polymerase theta; minus strand). Cytogenetic location: 3q13.33.
Variant type: single nucleotide variant.
Coding change: c.2878A>T on transcript NM_199420.4 (MANE Select); coding-DNA position 2878, A replaced by T.
Protein change: p.Asn960Tyr; replaces asparagine 960 with tyrosine.
Molecular consequence: missense variant.
Genome position (GRCh38, 1-based): chr3:121,490,053, T>A on the plus strand (A>T on the coding strand, the complement: POLQ is on the minus strand). VCF-style: chr3-121490053-T-A. GRCh37 (hg19) VCF-style: chr3-121208900-T-A.
Other names: short protein forms N960Y.
Identifiers: ClinVar variation 3422353 (VCV003422353.1).

ClinVar aggregate classification (germline): Uncertain significance (1 of 4 stars; one submission).

gnomAD v4.1: 2 of 1,573,948 alleles (0.00013%); highest among the groups gnomAD compares: Non-Finnish European, 0.00017%; no homozygotes.

Submission:

Ambry Genetics
Classification: Uncertain significance. Last evaluated: 2024-10-24. Review status: criteria provided, single submitter. Criteria: Ambry Variant Classification Scheme 2023. Collection method: clinical testing. Allele origin: germline.
Comment: The p.N960Y variant (also known as c.2878A>T), located in coding exon 16 of the POLQ gene, results from an A to T substitution at nucleotide position 2878. The asparagine at codon 960 is replaced by tyrosine, an amino acid with dissimilar properties. This amino acid position is conserved. In addition, this alteration is predicted to be tolerated by in silico analysis. Based on the available evidence, the clinical significance of this variant remains unclear.